The following is an entry in ClinVar:

ClinVar aggregate classification (germline): Uncertain significance (1 of 4 stars; one submission).

Conditions:
Microcephaly and chorioretinopathy 1. Also called: Microcephaly and chorioretinopathy, autosomal recessive, 1. Identifiers: MedGen C3278481, MONDO:0009624, OMIM 251270.

gnomAD v4.1: 55 of 1,611,494 alleles (0.0034%); highest among the groups gnomAD compares: Non-Finnish European, 0.0044%; no homozygotes.

Submission:

Laboratorio de Genetica e Diagnostico Molecular, Hospital Israelita Albert Einstein
Classification: Uncertain significance for Microcephaly and chorioretinopathy 1. Last evaluated: 2024-02-23. Review status: criteria provided, single submitter. Criteria: ACMG Guidelines, 2015. Collection method: clinical testing. Allele origin: germline. Affected: yes.
Comment: ACMG classification criteria: PM2 supporting, BP4 supporting

NM_020461.4(TUBGCP6):c.905+39C>T

Gene: TUBGCP6 (tubulin gamma complex component 6; minus strand). Cytogenetic location: 22q13.33.
Variant type: single nucleotide variant.
Coding change: c.905+39C>T on transcript NM_020461.4 (MANE Select); 39 bases into the intron after coding-DNA position 905, C replaced by T.
Molecular consequence: intron variant.
Genome position (GRCh38, 1-based): chr22:50,240,165, G>A on the plus strand (C>T on the coding strand, the complement: TUBGCP6 is on the minus strand). VCF-style: chr22-50240165-G-A. GRCh37 (hg19) VCF-style: chr22-50678594-G-A.
Identifiers: ClinVar variation 4076282 (VCV004076282.1).
Genomic context (GRCh38, chr22:50,240,165, plus strand): 5'-TGGACCCCTGAGTACACAACGCCCCCCACACACCCCATCCAAGGCCACGCTCATGCAGGG[G>A]TAGGGGCACTGCATGCCAAGGCAAAGAAGGGCACACACCAGCCAACTCGCTCCCAGCACC-3'